The following is an entry in ClinVar:

ClinVar aggregate classification (germline): Benign/Likely benign. Review status: criteria provided, multiple submitters, no conflicts (2 of 4 stars). 4 submissions from 4 submitters: Benign (2); Likely benign (1). 1 of the submissions does not count toward it. Last evaluated 2025-08-18.

Conditions:
TET3-related disorder. Also called: TET3-Related Disease; TET3-related condition.

Allele frequency attached by ClinVar (database versions not stated): gnomAD exomes 0.00066 and 0.00165; ExAC 0.00214; ESP Exome Variant Server 0.00607; gnomAD 0.00666 and 0.00702; TOPMed 0.00729; 1000 Genomes Project 0.00998; 1000 Genomes Project 30x 0.00999.
gnomAD v4.1: 2,075 of 1,613,632 alleles (0.13%); highest among the groups gnomAD compares: African/African-American, 2.4%; 29 homozygotes.

Submissions (4):

Genomic Medicine Center of Excellence, King Faisal Specialist Hospital and Research Centre
Classification: Likely benign. Last evaluated: 2025-08-18. Review status: criteria provided, single submitter. Criteria: ACMG Guidelines, 2015. Collection method: clinical testing. Allele origin: germline.

Labcorp Genetics (formerly Invitae), Labcorp
Classification: Benign. Last evaluated: 2019-12-31. Review status: criteria provided, single submitter. Criteria: Invitae Variant Classification Sherloc (09022015). Collection method: clinical testing. Allele origin: germline.

Breakthrough Genomics
Classification: Benign. Review status: criteria provided, single submitter. Criteria: ACMG Guidelines, 2015. Collection method: not provided. Allele origin: germline. Inheritance: Autosomal dominant inheritance. Affected: yes.

PreventionGenetics, part of Exact Sciences
Classification: Benign for TET3-related condition. Last evaluated: 2019-11-26. Review status: no assertion criteria provided. Collection method: clinical testing. Allele origin: germline. Not counted in ClinVar's aggregate classification.
Comment: This variant is classified as benign based on ACMG/AMP sequence variant interpretation guidelines (Richards et al. 2015 PMID: 25741868, with internal and published modifications).

NM_001287491.2(TET3):c.1700T>C (p.Val567Ala)

Gene: TET3 (tet methylcytosine dioxygenase 3; plus strand). Cytogenetic location: 2p13.1.
Variant type: single nucleotide variant.
Coding change: c.1700T>C on transcript NM_001287491.2 (MANE Select); coding-DNA position 1700, T replaced by C.
Protein change: p.Val567Ala; replaces valine 567 with alanine.
Molecular consequence: missense variant.
Genome position (GRCh38, 1-based): chr2:74,047,617, T>C. VCF-style: chr2-74047617-T-C. GRCh37 (hg19) VCF-style: chr2-74274744-T-C.
Other names: c.1421T>C, p.Val474Ala (NM_001366022.1); short protein forms V567A, V474A.
Identifiers: ClinVar variation 789560 (VCV000789560.8), dbSNP rs148646838, ClinGen allele CA1718654.